The following is an entry in ClinVar:

NM_000428.3(LTBP2):c.4919G>A (p.Arg1640His)

Gene: LTBP2 (latent transforming growth factor beta binding protein 2; minus strand). Cytogenetic location: 14q24.3.
Variant type: single nucleotide variant.
Coding change: c.4919G>A on transcript NM_000428.3 (MANE Select); coding-DNA position 4919, G replaced by A.
Protein change: p.Arg1640His; replaces arginine 1640 with histidine.
Molecular consequence: missense variant.
Genome position (GRCh38, 1-based): chr14:74,502,904, C>T on the plus strand (G>A on the coding strand, the complement: LTBP2 is on the minus strand). VCF-style: chr14-74502904-C-T. GRCh37 (hg19) VCF-style: chr14-74969607-C-T.
Other names: c.4919G>A (NM_000428.2); short protein forms R1640H.
Identifiers: ClinVar variation 1418395 (VCV001418395.7), dbSNP rs751200478, ClinGen allele CA7268583.
Genomic context (GRCh38, chr14:74,502,904, plus strand): 5'-CCGGGGCCATACTCATAGCCTGGCCGGAAGTGGACCCCGGCCTCCCGCTCTGCCTCAATG[C>T]GAGCCACGTTGCACAGCTGAGCATAGACCTCTGTCAGGGAGGAGGGAGAGAAGGAGCTGG-3'
Protein context (NP_000419.1, residues 1630-1650): EVYAQLCNVA[Arg1640His]IEAEREAGVH

ClinVar aggregate classification (germline): Uncertain significance. Review status: criteria provided, multiple submitters, no conflicts (2 of 4 stars). 3 submissions from 3 submitters: Uncertain significance (3). Last evaluated 2024-11-25.

Conditions:
Inborn genetic diseases. Identifiers: MedGen C0950123, MeSH D030342.

Allele frequency attached by ClinVar (database versions not stated): TOPMed 0.00002.
gnomAD v4.1: 86 of 1,612,624 alleles (0.0053%); highest among the groups gnomAD compares: East Asian, 0.011%; no homozygotes.

Submissions (3):

Ambry Genetics
Classification: Uncertain significance for Inborn genetic diseases. Last evaluated: 2024-11-25. Review status: criteria provided, single submitter. Criteria: Ambry Variant Classification Scheme 2023. Collection method: clinical testing. Allele origin: germline.

Labcorp Genetics (formerly Invitae), Labcorp
Classification: Uncertain significance. Last evaluated: 2021-08-28. Review status: criteria provided, single submitter. Criteria: Invitae Variant Classification Sherloc (09022015). Collection method: clinical testing. Allele origin: germline.
Comment: This sequence change replaces arginine with histidine at codon 1640 of the LTBP2 protein (p.Arg1640His). The arginine residue is highly conserved and there is a small physicochemical difference between arginine and histidine. This variant is present in population databases (rs751200478, ExAC 0.02%). This variant has not been reported in the literature in individuals affected with LTBP2-related conditions. Algorithms developed to predict the effect of missense changes on protein structure and function (SIFT, PolyPhen-2, Align-GVGD) all suggest that this variant is likely to be disruptive. In summary, the available evidence is currently insufficient to determine the role of this variant in disease. Therefore, it has been classified as a Variant of Uncertain Significance.

Breakthrough Genomics
Classification: Uncertain significance. Review status: criteria provided, single submitter. Criteria: ACMG Guidelines, 2015. Collection method: not provided. Allele origin: germline. Inheritance: Autosomal recessive inheritance. Affected: yes.